The following is an entry in ClinVar:

ClinVar aggregate classification (germline): Likely benign. Review status: criteria provided, multiple submitters, no conflicts (2 of 4 stars). 2 submissions from 2 submitters: Likely benign (2). Last evaluated 2026-03-03.

Conditions:
Hereditary cancer-predisposing syndrome. Also called: Neoplastic Syndromes, Hereditary; Tumor predisposition; Hereditary Cancer Syndrome; Hereditary neoplastic syndrome. Identifiers: Orphanet 140162, MedGen C0027672, MeSH D009386, MONDO:0015356.

Submissions (2):

Ambry Genetics
Classification: Likely benign for Hereditary cancer-predisposing syndrome. Last evaluated: 2026-03-03. Review status: criteria provided, single submitter. Criteria: Ambry Variant Classification Scheme 2023. Collection method: clinical testing. Allele origin: germline.

CeGaT Center for Human Genetics Tuebingen
Classification: Likely benign. Last evaluated: 2025-08-01. Review status: criteria provided, single submitter. Criteria: CeGaT Center For Human Genetics Tuebingen Variant Classification Criteria Version 2. Collection method: clinical testing. Allele origin: germline. Affected: yes. Observed: 1 variant allele.
Comment: SMARCA4: PM2:Supporting, BP4, BP7

NM_003072.5(SMARCA4):c.2688G>C (p.Val896=)

Gene: SMARCA4 (SWI/SNF related BAF chromatin remodeling complex subunit ATPase 4; plus strand). Cytogenetic location: 19p13.2.
Variant type: single nucleotide variant.
Coding change: c.2688G>C on transcript NM_003072.5 (MANE Select); coding-DNA position 2688, G replaced by C.
Protein change: p.Val896=; no amino-acid change (valine 896 retained).
Molecular consequence: synonymous variant. On other transcripts: non-coding transcript variant (1).
Genome position (GRCh38, 1-based): chr19:11,021,796, G>C. VCF-style: chr19-11021796-G-C. GRCh37 (hg19) VCF-style: chr19-11132472-G-C.
Other names: c.2688G>C, p.Val896= (NM_001128844.3, NM_001128845.2, NM_001128846.2 and 6 more transcripts); c.2688G>C (NM_001128849.1).
Identifiers: ClinVar variation 4084189 (VCV004084189.8).
Genomic context (GRCh38, chr19:11,021,796, plus strand): 5'-GTACATGATTGTGGACGAAGGTCACCGCATGAAGAACCACCACTGCAAGCTGACGCAGGT[G>C]CTCAACACGCACTATGTGGCACCCCGCCGCCTGCTGCTGACGGGCACACCGCTGCAGAAC-3'
Protein context (NP_003063.2, residues 886-906): MKNHHCKLTQ[Val896=]LNTHYVAPRR